The following is an entry in ClinVar:

NM_001171613.2(PREPL):c.-49+1839T>A

Gene: PREPL (prolyl endopeptidase like; minus strand). Cytogenetic location: 2p21.
Variant type: single nucleotide variant.
Coding change: c.-49+1839T>A on transcript NM_001171613.2 (MANE Select); 1839 bases into the intron after 49 bases upstream of the start codon, T replaced by A.
Molecular consequence: intron variant. On other transcripts: missense variant (7).
Genome position (GRCh38, 1-based): chr2:44,359,541, A>T on the plus strand (T>A on the coding strand, the complement: PREPL is on the minus strand). VCF-style: chr2-44359541-A-T. GRCh37 (hg19) VCF-style: chr2-44586680-A-T.
Other names: c.175T>A, p.Ser59Thr (NM_001042385.2, NM_001042386.2, NM_001171603.1 and 4 more transcripts); c.-49+1983T>A (NM_001171617.1); c.-49+1876T>A (NM_001374277.1); short protein forms S59T.
Identifiers: ClinVar variation 2421303 (VCV002421303.6), dbSNP rs375878651, ClinGen allele CA46568433.
Genomic context (GRCh38, chr2:44,359,541, plus strand): 5'-CTTAAACAGTCCATACCTTACATGAGAAGCTCCGACTTGGGATGTTTCTTGCTAACTCTG[A>T]TATCTTGGGTTTATTCTGAAGACACTTGGTTAGGTGATATTTTTTCAATTTTATTCTATT-3'

ClinVar aggregate classification (germline): Uncertain significance (1 of 4 stars; one submission).

Conditions:
Myasthenic syndrome, congenital, 22 (CMS22). Also called: PREPL DEFICIENCY. Identifiers: MedGen C4479088, MONDO:0044299, OMIM 616224.

Allele frequency attached by ClinVar (database versions not stated): TOPMed 0.00001.
gnomAD v4.1: 5 of 1,613,494 alleles (0.00031%); highest among the groups gnomAD compares: African/African-American, 0.0027%; no homozygotes.

Submission:

Labcorp Genetics (formerly Invitae), Labcorp
Classification: Uncertain significance for Myasthenic syndrome, congenital, 22. Last evaluated: 2022-07-27. Review status: criteria provided, single submitter. Criteria: Invitae Variant Classification Sherloc (09022015). Collection method: clinical testing. Allele origin: germline.
Comment: This variant has not been reported in the literature in individuals affected with PREPL-related conditions. In summary, the available evidence is currently insufficient to determine the role of this variant in disease. Therefore, it has been classified as a Variant of Uncertain Significance. Algorithms developed to predict the effect of missense changes on protein structure and function output the following: SIFT: "Tolerated"; PolyPhen-2: "Benign"; Align-GVGD: "Class C0". The threonine amino acid residue is found in multiple mammalian species, which suggests that this missense change does not adversely affect protein function. This variant is not present in population databases (gnomAD no frequency). This sequence change replaces serine, which is neutral and polar, with threonine, which is neutral and polar, at codon 59 of the PREPL protein (p.Ser59Thr).